The following is an entry in ClinVar:

NM_001563.4(IMPG1):c.277C>T (p.Leu93Phe)

Gene: IMPG1 (interphotoreceptor matrix proteoglycan 1; minus strand). Cytogenetic location: 6q14.1.
Variant type: single nucleotide variant.
Coding change: c.277C>T on transcript NM_001563.4 (MANE Select); coding-DNA position 277, C replaced by T.
Protein change: p.Leu93Phe; replaces leucine 93 with phenylalanine.
Molecular consequence: missense variant. On other transcripts: intron variant (1).
Genome position (GRCh38, 1-based): chr6:76,041,917, G>A on the plus strand (C>T on the coding strand, the complement: IMPG1 is on the minus strand). VCF-style: chr6-76041917-G-A. GRCh37 (hg19) VCF-style: chr6-76751634-G-A.
Other names: c.68-7130C>T (NM_001282368.2); short protein forms L93F.
Identifiers: ClinVar variation 1005308 (VCV001005308.8), dbSNP rs1783849186, ClinGen allele CA364829580.

ClinVar aggregate classification (germline): Uncertain significance (1 of 4 stars; one submission).

Submission:

Labcorp Genetics (formerly Invitae), Labcorp
Classification: Uncertain significance. Last evaluated: 2020-09-12. Review status: criteria provided, single submitter. Criteria: Invitae Variant Classification Sherloc (09022015). Collection method: clinical testing. Allele origin: germline.
Comment: In summary, the available evidence is currently insufficient to determine the role of this variant in disease. Therefore, it has been classified as a Variant of Uncertain Significance. Algorithms developed to predict the effect of missense changes on protein structure and function are either unavailable or do not agree on the potential impact of this missense change (SIFT: "Tolerated"; PolyPhen-2: "Probably Damaging"; Align-GVGD: "Class C0"). This variant has not been reported in the literature in individuals with IMPG1-related conditions. This variant is not present in population databases (ExAC no frequency). This sequence change replaces leucine with phenylalanine at codon 93 of the IMPG1 protein (p.Leu93Phe). The leucine residue is moderately conserved and there is a small physicochemical difference between leucine and phenylalanine.